The following is an entry in ClinVar:

ClinVar aggregate classification (germline): Uncertain significance. Review status: criteria provided, multiple submitters, no conflicts (2 of 4 stars). 2 submissions from 2 submitters: Uncertain significance (2). Last evaluated 2026-07-10.

Conditions:
Cardiovascular phenotype. Identifiers: MedGen CN230736.
Long QT syndrome (LQTS). Identifiers: MedGen C0023976, MeSH D008133, MONDO:0002442. Disease mechanism: loss of function. Inheritance: Various modes of inheritance.

Submissions (2):

Ambry Genetics
Classification: Uncertain significance for Cardiovascular phenotype. Last evaluated: 2026-07-10. Review status: criteria provided, single submitter. Criteria: Ambry Variant Classification Scheme 2023. Collection method: clinical testing. Allele origin: germline.
Comment: The p.S3031G variant (also known as c.9091A>G), located in coding exon 38 of the ANK2 gene, results from an A to G substitution at nucleotide position 9091. The serine at codon 3031 is replaced by glycine, an amino acid with similar properties. This amino acid position is conserved. In addition, the in silico prediction for this alteration is inconclusive. Based on the available evidence, the clinical significance of this variant remains unclear.

Labcorp Genetics (formerly Invitae), Labcorp
Classification: Uncertain significance for Long QT syndrome. Last evaluated: 2022-05-25. Review status: criteria provided, single submitter. Criteria: Invitae Variant Classification Sherloc (09022015). Collection method: clinical testing. Allele origin: germline.
Comment: This variant has not been reported in the literature in individuals affected with ANK2-related conditions. In summary, the available evidence is currently insufficient to determine the role of this variant in disease. Therefore, it has been classified as a Variant of Uncertain Significance. Algorithms developed to predict the effect of sequence changes on RNA splicing suggest that this variant may create or strengthen a splice site. Algorithms developed to predict the effect of missense changes on protein structure and function (SIFT, PolyPhen-2, Align-GVGD) all suggest that this variant is likely to be tolerated. This variant is not present in population databases (gnomAD no frequency). This sequence change replaces serine, which is neutral and polar, with glycine, which is neutral and non-polar, at codon 3031 of the ANK2 protein (p.Ser3031Gly).

NM_001148.6(ANK2):c.9091A>G (p.Ser3031Gly)

Gene: ANK2 (ankyrin 2; plus strand). Cytogenetic location: 4q26.
Variant type: single nucleotide variant.
Coding change: c.9091A>G on transcript NM_001148.6 (MANE Select); coding-DNA position 9091, A replaced by G.
Protein change: p.Ser3031Gly; replaces serine 3031 with glycine.
Molecular consequence: missense variant. On other transcripts: intron variant (68).
Genome position (GRCh38, 1-based): chr4:113,357,709, A>G. VCF-style: chr4-113357709-A-G. GRCh37 (hg19) VCF-style: chr4-114278865-A-G.
Other names: c.8857A>G, p.Ser2953Gly (NM_001386142.1); c.5491A>G, p.Ser1831Gly (NM_001386166.1); c.9232A>G, p.Ser3078Gly (NM_001386174.1); c.9208A>G, p.Ser3070Gly (NM_001386175.1); c.4412-3114A>G (NM_001386186.2, NM_001386148.2); c.4214-3114A>G (NM_001354269.3); c.4292-3114A>G (NM_001386187.2); c.4253-3114A>G (NM_001386147.1); and 36 more; short protein forms S1831G, S3031G, S3078G, S2953G, S3070G.
Identifiers: ClinVar variation 1374324 (VCV001374324.7), dbSNP rs2154028339, ClinGen allele CA357936566.